The following is an entry in ClinVar:

NM_033026.6(PCLO):c.14993T>G (p.Leu4998Arg)

Gene: PCLO (piccolo presynaptic cytomatrix protein; minus strand). Cytogenetic location: 7q21.11.
Variant type: single nucleotide variant.
Coding change: c.14993T>G on transcript NM_033026.6 (MANE Select); coding-DNA position 14993, T replaced by G.
Protein change: p.Leu4998Arg; replaces leucine 4998 with arginine.
Molecular consequence: missense variant.
Genome position (GRCh38, 1-based): chr7:82,801,532, A>C on the plus strand (T>G on the coding strand, the complement: PCLO is on the minus strand). VCF-style: chr7-82801532-A-C. GRCh37 (hg19) VCF-style: chr7-82430848-A-C.
Other names: short protein forms L4998R.
Identifiers: ClinVar variation 1496604 (VCV001496604.8), dbSNP rs2129468682, ClinGen allele CA368018257.

ClinVar aggregate classification (germline): Uncertain significance (1 of 4 stars; one submission).

Submission:

Labcorp Genetics (formerly Invitae), Labcorp
Classification: Uncertain significance. Last evaluated: 2022-03-19. Review status: criteria provided, single submitter. Criteria: Invitae Variant Classification Sherloc (09022015). Collection method: clinical testing. Allele origin: germline.
Comment: In summary, the available evidence is currently insufficient to determine the role of this variant in disease. Therefore, it has been classified as a Variant of Uncertain Significance. Algorithms developed to predict the effect of missense changes on protein structure and function are either unavailable or do not agree on the potential impact of this missense change (SIFT: "Deleterious"; PolyPhen-2: "Not Available"; Align-GVGD: "Class C0"). This variant has not been reported in the literature in individuals affected with PCLO-related conditions. This variant is not present in population databases (gnomAD no frequency). This sequence change replaces leucine, which is neutral and non-polar, with arginine, which is basic and polar, at codon 4998 of the PCLO protein (p.Leu4998Arg).